The following is an entry in ClinVar:

NM_012463.4(ATP6V0A2):c.*3227C>G

Gene: ATP6V0A2 (ATPase H+ transporting V0 subunit a2; plus strand). Cytogenetic location: 12q24.31.
Variant type: single nucleotide variant.
Coding change: c.*3227C>G on transcript NM_012463.4 (MANE Select); 3227 bases downstream of the stop codon, C replaced by G.
Molecular consequence: 3 prime UTR variant.
Genome position (GRCh38, 1-based): chr12:123,761,259, C>G. VCF-style: chr12-123761259-C-G. GRCh37 (hg19) VCF-style: chr12-124245806-C-G.
Identifiers: ClinVar variation 307639 (VCV000307639.6), dbSNP rs111540619, ClinGen allele CA10636792.

ClinVar aggregate classification (germline): Benign. Review status: criteria provided, multiple submitters, no conflicts (2 of 4 stars). 2 submissions from 2 submitters: Benign (2). Last evaluated 2018-01-13.

Conditions:
Cutis laxa with osteodystrophy (ARCL2A). Also called: Debré-Type Cutis Laxa; CUTIS LAXA WITH CONGENITAL DISORDER OF GLYCOSYLATION; CUTIS LAXA, AUTOSOMAL RECESSIVE, TYPE IIA; CUTIS LAXA WITH BONE DYSTROPHY; CUTIS LAXA WITH GROWTH AND DEVELOPMENTAL DELAY; CUTIS LAXA WITH JOINT LAXITY AND RETARDED DEVELOPMENT. Identifiers: Orphanet 357058, MedGen C0268355, MONDO:0018163, OMIM 219200. Disease mechanism: loss of function.

Allele frequency attached by ClinVar (database versions not stated): 1000 Genomes Project 30x 0.04497; gnomAD 0.04013 and 0.04290; 1000 Genomes Project 0.04153; TOPMed 0.04539.

Submissions (2):

Illumina Laboratory Services, Illumina
Classification: Benign for Cutis laxa with osteodystrophy. Last evaluated: 2018-01-13. Review status: criteria provided, single submitter. Criteria: ICSL Variant Classification Criteria 13 December 2019. Collection method: clinical testing. Allele origin: germline.
Comment: This variant was observed in the ICSL laboratory as part of a predisposition screen in an ostensibly healthy population. It had not been previously curated by ICSL or reported in the Human Gene Mutation Database (HGMD: prior to June 1st, 2018), and was therefore a candidate for classification through an automated scoring system. Utilizing variant allele frequency, disease prevalence and penetrance estimates, and inheritance mode, an automated score was calculated to assess if this variant is too frequent to cause the disease. Based on the score and internal cut-off values, a variant classified as benign is not then subjected to further curation. The score for this variant resulted in a classification of benign for this disease.

Breakthrough Genomics
Classification: Benign. Review status: criteria provided, single submitter. Criteria: ACMG Guidelines, 2015. Collection method: not provided. Allele origin: germline. Inheritance: Autosomal recessive inheritance. Affected: yes.